The following is an entry in ClinVar:

ClinVar aggregate classification (germline): Pathogenic (1 of 4 stars; one submission).

Conditions:
Inborn genetic diseases. Identifiers: MedGen C0950123, MeSH D030342.

Submission:

Ambry Genetics
Classification: Pathogenic for Inborn genetic diseases. Last evaluated: 2025-03-07. Review status: criteria provided, single submitter. Criteria: Ambry Variant Classification Scheme 2023. Collection method: clinical testing. Allele origin: germline.
Comment: The c.5825delC (p.A1942Vfs*32) alteration, located in exon 20 (coding exon 20) of the ARID1B gene, consists of a deletion of one nucleotide at position 5825, causing a translational frameshift with a predicted alternate stop codon after 32 amino acids. This variant is not expected to trigger nonsense-mediated mRNA decay, and impacts the last 13% of the protein. However, premature stop codons are typically deleterious in nature and the impacted region is critical for protein function (Ambry internal data). This variant was not reported in population-based cohorts in the Genome Aggregation Database (gnomAD). Based on the available evidence, this alteration is classified as pathogenic.

NM_001374828.1(ARID1B):c.6194del (p.Ala2065fs)

Gene: ARID1B (AT-rich interaction domain 1B; plus strand). Cytogenetic location: 6q25.3.
Variant type: Deletion.
Coding change: c.6194del on transcript NM_001374828.1 (MANE Select); coding-DNA position 6194, one base deleted (C; older notation c.6194delC).
Protein change: p.Ala2065fs; shifts the reading frame from alanine 2065.
Molecular consequence: frameshift variant.
Genome position (GRCh38, 1-based): chr6:157,206,966, C deleted. VCF-style (leftmost placement, unchanged base first): chr6-157206965-GC-G. GRCh37 (hg19) VCF-style: chr6-157528099-GC-G.
Other names: c.3695del, p.Ala1232fs (NM_001363725.2); c.6074del, p.Ala2025fs (NM_001371656.1, NM_001374820.1); c.6035del, p.Ala2012fs (NM_017519.3); c.5825delC (NM_020732.3); short protein forms A2025fs, A1232fs, A2012fs, A2065fs.
Identifiers: ClinVar variation 3784313 (VCV003784313.1).
Genomic context (GRCh38, chr6:157,206,965, plus strand): 5'-GAGCCCAGGAGCCGAGACGAGACTCCTCTGTGTACCATCGCGCACTGGCAGGACTCGCTG[GC>G]TAAGCGATGCATCTGTGTGTCCAATATTGTCCGTAGCTTGTCATTCGTGCCTGGCAATGA-3'